The following is an entry in ClinVar:

NM_001606.5(ABCA2):c.2568G>A (p.Thr856=)

Gene: ABCA2 (ATP binding cassette subfamily A member 2; minus strand). Cytogenetic location: 9q34.3.
Variant type: single nucleotide variant.
Coding change: c.2568G>A on transcript NM_001606.5 (MANE Select); coding-DNA position 2568, G replaced by A.
Protein change: p.Thr856=; no amino-acid change (threonine 856 retained).
Molecular consequence: synonymous variant.
Genome position (GRCh38, 1-based): chr9:137,017,110, C>T on the plus strand (G>A on the coding strand, the complement: ABCA2 is on the minus strand). VCF-style: chr9-137017110-C-T. GRCh37 (hg19) VCF-style: chr9-139911562-C-T.
Other names: c.2565G>A, p.Thr855= (NM_001411042.1); c.2658G>A, p.Thr886= (NM_212533.3); c.2658G>A (NM_212533.2).
Identifiers: ClinVar variation 3025209 (VCV003025209.23), dbSNP rs149292740, ClinGen allele CA5355030.

ClinVar aggregate classification (germline): Likely benign. Review status: criteria provided, single submitter (1 of 4 stars). 2 submissions from 2 submitters: Likely benign (1). 1 of the submissions does not count toward it. Last evaluated 2024-02-01.

Conditions:
ABCA2-related disorder. Also called: ABCA2-related condition.

Allele frequency attached by ClinVar (database versions not stated): TOPMed 0.00009; 1000 Genomes Project 0.00060; 1000 Genomes Project 30x 0.00062; ExAC 0.00165; gnomAD 0.00172.
gnomAD v4.1: 1,462 of 1,612,626 alleles (0.091%); highest among the groups gnomAD compares: Non-Finnish European, 0.014%; 22 homozygotes.

Submissions (2):

CeGaT Center for Human Genetics Tuebingen
Classification: Likely benign. Last evaluated: 2024-02-01. Review status: criteria provided, single submitter. Criteria: CeGaT Center For Human Genetics Tuebingen Variant Classification Criteria Version 2. Collection method: clinical testing. Allele origin: germline. Affected: yes. Observed: 1 variant allele.
Comment: ABCA2: BP4, BP7

PreventionGenetics, part of Exact Sciences
Classification: Benign for ABCA2-related condition. Last evaluated: 2019-06-04. Review status: no assertion criteria provided. Collection method: clinical testing. Allele origin: germline. Not counted in ClinVar's aggregate classification.
Comment: This variant is classified as benign based on ACMG/AMP sequence variant interpretation guidelines (Richards et al. 2015 PMID: 25741868, with internal and published modifications).